The following is an entry in ClinVar:

NM_006206.6(PDGFRA):c.2245A>C (p.Lys749Gln)

Gene: PDGFRA (platelet derived growth factor receptor alpha; plus strand). Cytogenetic location: 4q12.
Variant type: single nucleotide variant.
Coding change: c.2245A>C on transcript NM_006206.6 (MANE Select); coding-DNA position 2245, A replaced by C.
Protein change: p.Lys749Gln; replaces lysine 749 with glutamine.
Molecular consequence: missense variant.
Genome position (GRCh38, 1-based): chr4:54,280,404, A>C. VCF-style: chr4-54280404-A-C. GRCh37 (hg19) VCF-style: chr4-55146571-A-C.
Other names: c.2245A>C, p.Lys749Gln (NM_001347827.2, NM_001347829.2); c.2320A>C, p.Lys774Gln (NM_001347828.2); c.2284A>C, p.Lys762Gln (NM_001347830.2); short protein forms K749Q, K762Q, K774Q.
Identifiers: ClinVar variation 1414807 (VCV001414807.8), dbSNP rs1260734299, ClinGen allele CA356894390.
Genomic context (GRCh38, chr4:54,280,404, plus strand): 5'-GGTGACTACATGGACATGAAGCAGGCTGATACTACACAGTATGTCCCCATGCTAGAAAGG[A>C]AAGAGGTTTCTAAATATTCCGACATCCAGAGATCACTCTATGATCGTCCAGCCTCATATA-3'
Protein context (NP_006197.1, residues 739-759): TTQYVPMLER[Lys749Gln]EVSKYSDIQR

ClinVar aggregate classification (germline): Uncertain significance (1 of 4 stars; one submission).

Conditions:
Gastrointestinal stromal tumor. Also called: Gastrointestinal stroma tumor; Gastrointestinal stromal tumor, somatic. Identifiers: Orphanet 44890, MedGen C0238198, MeSH D046152, MONDO:0011719, OMIM 606764, HP:0100723.

Allele frequency attached by ClinVar (database versions not stated): gnomAD exomes below 0.00001.
gnomAD v4.1: 1 of 1,613,174 alleles (0.000062%); highest among the groups gnomAD compares: South Asian, 0.0011%; no homozygotes.

Submission:

Labcorp Genetics (formerly Invitae), Labcorp
Classification: Uncertain significance for Gastrointestinal stromal tumor. Last evaluated: 2021-03-22. Review status: criteria provided, single submitter. Criteria: Invitae Variant Classification Sherloc (09022015). Collection method: clinical testing. Allele origin: germline.
Comment: In summary, the available evidence is currently insufficient to determine the role of this variant in disease. Therefore, it has been classified as a Variant of Uncertain Significance. Algorithms developed to predict the effect of missense changes on protein structure and function are either unavailable or do not agree on the potential impact of this missense change (SIFT: "Tolerated"; PolyPhen-2: "Possibly Damaging"; Align-GVGD: "Class C0"). This variant has not been reported in the literature in individuals with PDGFRA-related conditions. This variant is not present in population databases (ExAC no frequency). This sequence change replaces lysine with glutamine at codon 749 of the PDGFRA protein (p.Lys749Gln). The lysine residue is moderately conserved and there is a small physicochemical difference between lysine and glutamine.